The following is an entry in ClinVar:

ClinVar aggregate classification (germline): Uncertain significance. Review status: criteria provided, multiple submitters, no conflicts (2 of 4 stars). 2 submissions from 2 submitters: Uncertain significance (2). Last evaluated 2024-09-03.

Conditions:
Inborn genetic diseases. Identifiers: MedGen C0950123, MeSH D030342.

Allele frequency attached by ClinVar (database versions not stated): ExAC 0.00001; gnomAD 0.00001; gnomAD exomes 0.00001; TOPMed 0.00002.
gnomAD v4.1: 20 of 1,613,276 alleles (0.0012%); highest among the groups gnomAD compares: Admixed American, 0.0067%; no homozygotes.

Submissions (2):

Labcorp Genetics (formerly Invitae), Labcorp
Classification: Uncertain significance. Last evaluated: 2024-09-03. Review status: criteria provided, single submitter. Criteria: Invitae Variant Classification Sherloc (09022015). Collection method: clinical testing. Allele origin: germline.
Comment: This sequence change replaces arginine, which is basic and polar, with histidine, which is basic and polar, at codon 2326 of the DCHS1 protein (p.Arg2326His). This variant is present in population databases (rs770087732, gnomAD 0.006%). This variant has not been reported in the literature in individuals affected with DCHS1-related conditions. ClinVar contains an entry for this variant (Variation ID: 2145441). Invitae Evidence Modeling of protein sequence and biophysical properties (such as structural, functional, and spatial information, amino acid conservation, physicochemical variation, residue mobility, and thermodynamic stability) indicates that this missense variant is not expected to disrupt DCHS1 protein function with a negative predictive value of 80%. In summary, the available evidence is currently insufficient to determine the role of this variant in disease. Therefore, it has been classified as a Variant of Uncertain Significance.

Ambry Genetics
Classification: Uncertain significance for Inborn genetic diseases. Last evaluated: 2023-04-26. Review status: criteria provided, single submitter. Criteria: Ambry Variant Classification Scheme 2023. Collection method: clinical testing. Allele origin: germline.

NM_003737.4(DCHS1):c.6977G>A (p.Arg2326His)

Gene: DCHS1 (dachsous cadherin-related 1; minus strand). Cytogenetic location: 11p15.4.
Variant type: single nucleotide variant.
Coding change: c.6977G>A on transcript NM_003737.4 (MANE Select); coding-DNA position 6977, G replaced by A.
Protein change: p.Arg2326His; replaces arginine 2326 with histidine.
Molecular consequence: missense variant.
Genome position (GRCh38, 1-based): chr11:6,625,367, C>T on the plus strand (G>A on the coding strand, the complement: DCHS1 is on the minus strand). VCF-style: chr11-6625367-C-T. GRCh37 (hg19) VCF-style: chr11-6646598-C-T.
Other names: c.6977G>A (NM_003737.2); short protein forms R2326H.
Identifiers: ClinVar variation 2145441 (VCV002145441.6), dbSNP rs770087732, ClinGen allele CA5859722.
Genomic context (GRCh38, chr11:6,625,367, plus strand): 5'-TGGTAGCGGTCACACTGCTCAAAGTCCAGGGGCCCCGTGAGGGAGACACGGCCTCCATAG[C>T]GGCCAACACTGAAGGGATCCTGGGGCCCAGATGGGCTTAGCACATACCACAGCACGGGTC-3'
Protein context (NP_003728.1, residues 2316-2336): SGPQDPFSVG[Arg2326His]YGGRVSLTGP